The following is an entry in ClinVar:

NM_001033044.4(GLUL):c.488G>A (p.Cys163Tyr)

Genes: GLUL (glutamate-ammonia ligase; minus strand), LOC126805944 (CDK7 strongly-dependent group 2 enhancer GRCh37_chr1:182354799-182355998; plus strand). Cytogenetic location: 1q25.3.
Variant type: single nucleotide variant.
Coding change: c.488G>A on transcript NM_001033044.4 (MANE Select); coding-DNA position 488, G replaced by A.
Protein change: p.Cys163Tyr; replaces cysteine 163 with tyrosine.
Molecular consequence: missense variant.
Genome position (GRCh38, 1-based): chr1:182,385,875, C>T on the plus strand (G>A on the coding strand, the complement: GLUL is on the minus strand). VCF-style: chr1-182385875-C-T. GRCh37 (hg19) VCF-style: chr1-182355010-C-T.
Other names: c.488G>A, p.Cys163Tyr (NM_001033056.4, NM_002065.7); c.488G>A (NM_002065.5); short protein forms C163Y.
Identifiers: ClinVar variation 3896726 (VCV003896726.3).

ClinVar aggregate classification (germline): Uncertain significance. Review status: criteria provided, multiple submitters, no conflicts (2 of 4 stars). 2 submissions from 2 submitters: Uncertain significance (2). Last evaluated 2026-06-15.

Conditions:
Inborn genetic diseases. Identifiers: MedGen C0950123, MeSH D030342.
Developmental and epileptic encephalopathy 116. Identifiers: MedGen C5935615, MONDO:0970945, OMIM 620806.

Submissions (2):

Ambry Genetics
Classification: Uncertain significance for Inborn genetic diseases. Last evaluated: 2026-06-15. Review status: criteria provided, single submitter. Criteria: Ambry Variant Classification Scheme 2023. Collection method: clinical testing. Allele origin: germline.

Clinical Genomic Analysis (GENYSIS) Core, University of North Carolina at Chapel Hill
Classification: Uncertain significance for Developmental and epileptic encephalopathy 116. Last evaluated: 2025-03-03. Review status: criteria provided, single submitter. Criteria: ACMG Guidelines, 2015. Collection method: research. Allele origin: de novo. Affected: yes. Observed: 1 heterozygote. Study: UNC Genetic Determinants of Neurological and Developmental Disorders (GDNDD) Study.
Comment: GLUL c.488G>A, p.(Cys163Tyr), is a missense variant that changes a single highly conserved amino acid from a cysteine to a threonine within the glutamine synthetase catalytic domain (amino acids 113-373) of the encoded protein. This variant has not previously been reported in ClinVar, and is not present in control individuals in the gnomADv4.1 population database. The GLUL gene is constrained against missense variants and the c.488G>A variant is predicted by multiple in silico tools to have a damaging effect on the protein. However, this information is not sufficient to prove pathogenicity. Given the available evidence, this variant is classified as a variant of uncertain significance.